The following is an entry in ClinVar:

NM_000138.5(FBN1):c.3793T>G (p.Cys1265Gly)

Gene: FBN1 (fibrillin 1; minus strand). Cytogenetic location: 15q21.1.
Variant type: single nucleotide variant.
Coding change: c.3793T>G on transcript NM_000138.5 (MANE Select); coding-DNA position 3793, T replaced by G.
Protein change: p.Cys1265Gly; replaces cysteine 1265 with glycine.
Molecular consequence: missense variant.
Genome position (GRCh38, 1-based): chr15:48,483,863, A>C on the plus strand (T>G on the coding strand, the complement: FBN1 is on the minus strand). VCF-style: chr15-48483863-A-C. GRCh37 (hg19) VCF-style: chr15-48776060-A-C.
Other names: c.3793T>G, p.Cys1265Gly (NM_001406716.1); short protein forms C1265G.
Identifiers: ClinVar variation 3513520 (VCV003513520.1).

ClinVar aggregate classification (germline): Likely pathogenic (1 of 4 stars; one submission).

Conditions:
Familial thoracic aortic aneurysm and aortic dissection (TAAD). Also called: Thoracic aortic aneurysms and dissections. Identifiers: Orphanet 91387, MedGen C4707243, MONDO:0019625.

Submission:

Ambry Genetics
Classification: Likely pathogenic for Familial thoracic aortic aneurysm and aortic dissection. Last evaluated: 2024-07-24. Review status: criteria provided, single submitter. Criteria: Ambry Variant Classification Scheme 2023. Collection method: clinical testing. Allele origin: germline.
Comment: The p.C1265G variant (also known as c.3793T>G), located in coding exon 30 of the FBN1 gene, results from a T to G substitution at nucleotide position 3793. The cysteine at codon 1265 is replaced by glycine, an amino acid with highly dissimilar properties. The majority of FBN1 mutations identified to date have involved the substitution or generation of cysteine residues within cbEGF domains (Vollbrandt T et al. J Biol Chem. 2004;279(31):32924-32931). Internal structural analysis indicates this alteration eliminates a disulfide bond critical for the structural integrity of the cbEGF16 domain (Ambry internal data). This alteration has been reported as de novo in an individual with Marfan syndrome (Stheneur C et al. Eur J Hum Genet, 2009 Sep;17:1121-8). This amino acid position is highly conserved in available vertebrate species. In addition, this alteration is predicted to be deleterious by in silico analysis. Based on the majority of available evidence to date, this variant is likely to be pathogenic.

Literature cited by the submitters: PubMed 19293843.